The following is an entry in ClinVar:

ClinVar aggregate classification (germline): Uncertain significance (1 of 4 stars; one submission).

Allele frequency attached by ClinVar (database versions not stated): gnomAD exomes 0.00001 and 0.00002; ExAC 0.00002.
gnomAD v4.1: 19 of 1,614,036 alleles (0.0012%); highest among the groups gnomAD compares: Middle Eastern, 0.016%; no homozygotes.

Submission:

GeneDx
Classification: Uncertain significance. Last evaluated: 2022-01-07. Review status: criteria provided, single submitter. Criteria: GeneDx Variant Classification Process June 2021. Collection method: clinical testing. Allele origin: germline. Affected: yes.
Comment: In silico analysis supports that this missense variant does not alter protein structure/function; Has not been previously published as pathogenic or benign to our knowledge

NM_020779.4(WDR35):c.1775A>G (p.Lys592Arg)

Gene: WDR35 (WD repeat domain 35; minus strand). Cytogenetic location: 2p24.1.
Variant type: single nucleotide variant.
Coding change: c.1775A>G on transcript NM_020779.4 (MANE Select); coding-DNA position 1775, A replaced by G.
Protein change: p.Lys592Arg; replaces lysine 592 with arginine.
Molecular consequence: missense variant.
Genome position (GRCh38, 1-based): chr2:19,945,856, T>C on the plus strand (A>G on the coding strand, the complement: WDR35 is on the minus strand). VCF-style: chr2-19945856-T-C. GRCh37 (hg19) VCF-style: chr2-20145617-T-C.
Other names: c.1808A>G, p.Lys603Arg (NM_001006657.2); short protein forms K592R, K603R.
Identifiers: ClinVar variation 1695690 (VCV001695690.2), dbSNP rs752107469, ClinGen allele CA1543118.